The following is an entry in ClinVar:

NM_000701.8(ATP1A1):c.963C>A (p.Val321=)

Gene: ATP1A1 (ATPase Na+/K+ transporting subunit alpha 1; plus strand). Cytogenetic location: 1p13.1.
Variant type: single nucleotide variant.
Coding change: c.963C>A on transcript NM_000701.8 (MANE Select); coding-DNA position 963, C replaced by A.
Protein change: p.Val321=; no amino-acid change (valine 321 retained).
Molecular consequence: synonymous variant.
Genome position (GRCh38, 1-based): chr1:116,389,647, C>A. VCF-style: chr1-116389647-C-A. GRCh37 (hg19) VCF-style: chr1-116932269-C-A.
Other names: c.963C>A, p.Val321= (NM_001160233.2); c.870C>A, p.Val290= (NM_001160234.2).
Identifiers: ClinVar variation 3239540 (VCV003239540.19), dbSNP rs1460550080.

ClinVar aggregate classification (germline): Likely benign (1 of 4 stars; one submission).

Submission:

CeGaT Center for Human Genetics Tuebingen
Classification: Likely benign. Last evaluated: 2024-05-01. Review status: criteria provided, single submitter. Criteria: CeGaT Center For Human Genetics Tuebingen Variant Classification Criteria Version 2. Collection method: clinical testing. Allele origin: germline. Affected: yes. Observed: 1 variant allele.
Comment: ATP1A1: PM2:Supporting, BP4, BP7